The following is an entry in ClinVar:

ClinVar aggregate classification (germline): Likely benign. Review status: criteria provided, single submitter (1 of 4 stars). 2 submissions from 2 submitters: Likely benign (1). 1 of the submissions does not count toward it. Last evaluated 2024-09-13.

Conditions:
NCOR1-related disorder. Also called: NCOR1-related condition.

Allele frequency attached by ClinVar (database versions not stated): gnomAD exomes 0.00031; ExAC 0.00088; 1000 Genomes Project 0.00140; 1000 Genomes Project 30x 0.00141; gnomAD 0.00279; ESP Exome Variant Server 0.00292; TOPMed 0.00300.
gnomAD v4.1: 900 of 1,613,690 alleles (0.056%); highest among the groups gnomAD compares: African/African-American, 0.99%; 4 homozygotes.

Submissions (2):

Blueprint Genetics
Classification: Likely benign. Last evaluated: 2024-09-13. Review status: criteria provided, single submitter. Criteria: ACMG Guidelines, 2015. Collection method: clinical testing. Allele origin: germline.

PreventionGenetics, part of Exact Sciences
Classification: Benign for NCOR1-related condition. Last evaluated: 2019-07-11. Review status: no assertion criteria provided. Collection method: clinical testing. Allele origin: germline. Not counted in ClinVar's aggregate classification.
Comment: This variant is classified as benign based on ACMG/AMP sequence variant interpretation guidelines (Richards et al. 2015 PMID: 25741868, with internal and published modifications).

NM_006311.4(NCOR1):c.6441C>T (p.Tyr2147=)

Gene: NCOR1 (nuclear receptor corepressor 1; minus strand). Cytogenetic location: 17p12.
Variant type: single nucleotide variant.
Coding change: c.6441C>T on transcript NM_006311.4 (MANE Select); coding-DNA position 6441, C replaced by T.
Protein change: p.Tyr2147=; no amino-acid change (tyrosine 2147 retained).
Molecular consequence: synonymous variant.
Genome position (GRCh38, 1-based): chr17:16,048,940, G>A on the plus strand (C>T on the coding strand, the complement: NCOR1 is on the minus strand). VCF-style: chr17-16048940-G-A. GRCh37 (hg19) VCF-style: chr17-15952254-G-A.
Other names: c.6132C>T, p.Tyr2044= (NM_001190440.2).
Identifiers: ClinVar variation 3050696 (VCV003050696.3), dbSNP rs144480346, ClinGen allele CA8408032.
Genomic context (GRCh38, chr17:16,048,940, plus strand): 5'-GAGCAGCAAGCTGTCCTGTTTCTCATGCACAACCGGAACCTGGGGTGGGGAGATGGGCTC[G>A]TAGGGCTCCGAAGAGACGTGACTCCTCTCTGGGGATTTTCCAGGCCTACTATTGTAATAT-3'
Protein context (NP_006302.2, residues 2137-2157): PERSHVSSEP[Tyr2147=]EPISPPQVPV